The following is an entry in ClinVar:

NM_172250.3(MMAA):c.190A>C (p.Lys64Gln)

Gene: MMAA (metabolism of cobalamin associated A; plus strand). Cytogenetic location: 4q31.21.
Variant type: single nucleotide variant.
Coding change: c.190A>C on transcript NM_172250.3 (MANE Select); coding-DNA position 190, A replaced by C.
Protein change: p.Lys64Gln; replaces lysine 64 with glutamine.
Molecular consequence: missense variant.
Genome position (GRCh38, 1-based): chr4:145,639,329, A>C. VCF-style: chr4-145639329-A-C. GRCh37 (hg19) VCF-style: chr4-146560481-A-C.
Other names: c.190A>C, p.Lys64Gln (NM_001375644.1); short protein forms K64Q.
Identifiers: ClinVar variation 4808727 (VCV004808727.1).

ClinVar aggregate classification (germline): Uncertain significance (1 of 4 stars; one submission).

Conditions:
Methylmalonic aciduria, cblA type (MACA). Also called: Methylmalonic aciduria, vitamin B12-responsive; Methylmalonic aciduria, vitamin b12-responsive, due to defect in synthesis of adenosylcobalamin, cbla complementation type; MMA cbl A type; Methylmalonic acidemia cblA type; Vitamin B12-responsive methylmalonic acidemia type cblA. Identifiers: Orphanet 28, Orphanet 79310, MedGen C1855109, MONDO:0009613, OMIM 251100.

gnomAD v4.1: 2 of 1,614,226 alleles (0.00012%); highest among the groups gnomAD compares: Non-Finnish European, 0.00017%; no homozygotes.

Submission:

Labcorp Genetics (formerly Invitae), Labcorp
Classification: Uncertain significance for Methylmalonic aciduria, cblA type. Last evaluated: 2025-06-23. Review status: criteria provided, single submitter. Criteria: Invitae Variant Classification Sherloc (09022015). Collection method: clinical testing. Allele origin: germline.
Comment: This sequence change replaces lysine, which is basic and polar, with glutamine, which is neutral and polar, at codon 64 of the MMAA protein (p.Lys64Gln). This variant is not present in population databases (gnomAD no frequency). This variant has not been reported in the literature in individuals affected with MMAA-related conditions. Invitae Evidence Modeling of protein sequence and biophysical properties (such as structural, functional, and spatial information, amino acid conservation, physicochemical variation, residue mobility, and thermodynamic stability) indicates that this missense variant is not expected to disrupt MMAA protein function with a negative predictive value of 95%. In summary, the available evidence is currently insufficient to determine the role of this variant in disease. Therefore, it has been classified as a Variant of Uncertain Significance.